The following is an entry in ClinVar:

NM_182476.3(COQ6):c.497T>C (p.Leu166Pro)

Genes: ENTPD5 (ectonucleoside triphosphate diphosphohydrolase 5; minus strand), COQ6 (coenzyme Q6, monooxygenase; plus strand). Cytogenetic location: 14q24.3.
Variant type: single nucleotide variant.
Coding change: c.497T>C on transcript NM_182476.3 (MANE Select); coding-DNA position 497, T replaced by C.
Protein change: p.Leu166Pro; replaces leucine 166 with proline.
Molecular consequence: missense variant. On other transcripts: 3 prime UTR variant (3), intron variant (5).
Genome position (GRCh38, 1-based): chr14:73,958,162, T>C. VCF-style: chr14-73958162-T-C. GRCh37 (hg19) VCF-style: chr14-74424865-T-C.
Other names: c.*1368A>G (NM_001382260.1, NM_001330189.2, NM_001382259.1); c.73-809T>C (NM_001425265.1, NM_001425264.1); c.358-809T>C (NM_001425262.1); c.1201-2575A>G (NM_001382258.1); c.1201-2334A>G (NM_001382262.1); c.497T>C, p.Leu166Pro (NM_001425255.1, NM_001425256.1); c.332T>C, p.Leu111Pro (NM_001425257.1); c.422T>C, p.Leu141Pro (NM_001425258.1, NM_182480.3); and 2 more; short protein forms L141P, L166P.
Identifiers: ClinVar variation 1715036 (VCV001715036.6), dbSNP rs2503051152, ClinGen allele CA390374865.

ClinVar aggregate classification (germline): Uncertain significance (1 of 4 stars; one submission).

Submission:

Labcorp Genetics (formerly Invitae), Labcorp
Classification: Uncertain significance. Last evaluated: 2022-10-20. Review status: criteria provided, single submitter. Criteria: Invitae Variant Classification Sherloc (09022015). Collection method: clinical testing. Allele origin: germline.
Comment: This sequence change replaces leucine, which is neutral and non-polar, with proline, which is neutral and non-polar, at codon 166 of the COQ6 protein (p.Leu166Pro). This variant is not present in population databases (gnomAD no frequency). This variant has not been reported in the literature in individuals affected with COQ6-related conditions. Advanced modeling of protein sequence and biophysical properties (such as structural, functional, and spatial information, amino acid conservation, physicochemical variation, residue mobility, and thermodynamic stability) performed at Invitae indicates that this missense variant is not expected to disrupt COQ6 protein function. In summary, the available evidence is currently insufficient to determine the role of this variant in disease. Therefore, it has been classified as a Variant of Uncertain Significance.